The following is an entry in ClinVar:

NM_004104.5(FASN):c.3391C>T (p.Arg1131Cys)

Gene: FASN (fatty acid synthase; minus strand). Cytogenetic location: 17q25.3.
Variant type: single nucleotide variant.
Coding change: c.3391C>T on transcript NM_004104.5 (MANE Select); coding-DNA position 3391, C replaced by T.
Protein change: p.Arg1131Cys; replaces arginine 1131 with cysteine.
Molecular consequence: missense variant.
Genome position (GRCh38, 1-based): chr17:82,087,086, G>A on the plus strand (C>T on the coding strand, the complement: FASN is on the minus strand). VCF-style: chr17-82087086-G-A. GRCh37 (hg19) VCF-style: chr17-80044962-G-A.
Other names: short protein forms R1131C.
Identifiers: ClinVar variation 2151451 (VCV002151451.4), dbSNP rs769282070, ClinGen allele CA8852404.

ClinVar aggregate classification (germline): Uncertain significance (1 of 4 stars; one submission).

Conditions:
Epileptic encephalopathy. Identifiers: MedGen C0543888, HP:0200134.

Allele frequency attached by ClinVar (database versions not stated): TOPMed below 0.00001; ExAC 0.00001; gnomAD exomes 0.00001.
gnomAD v4.1: 12 of 1,611,634 alleles (0.00074%); highest among the groups gnomAD compares: Non-Finnish European, 0.00085%; no homozygotes.

Submission:

Labcorp Genetics (formerly Invitae), Labcorp
Classification: Uncertain significance for Epileptic encephalopathy. Last evaluated: 2022-09-21. Review status: criteria provided, single submitter. Criteria: Invitae Variant Classification Sherloc (09022015). Collection method: clinical testing. Allele origin: germline.
Comment: In summary, the available evidence is currently insufficient to determine the role of this variant in disease. Therefore, it has been classified as a Variant of Uncertain Significance. Algorithms developed to predict the effect of missense changes on protein structure and function are either unavailable or do not agree on the potential impact of this missense change (SIFT: "Deleterious"; PolyPhen-2: "Benign"; Align-GVGD: "Class C0"). This variant has not been reported in the literature in individuals affected with FASN-related conditions. This variant is present in population databases (rs769282070, gnomAD 0.0009%). This sequence change replaces arginine, which is basic and polar, with cysteine, which is neutral and slightly polar, at codon 1131 of the FASN protein (p.Arg1131Cys).